The following is an entry in ClinVar:

NM_032043.3(BRIP1):c.3424A>G (p.Thr1142Ala)

Gene: BRIP1 (BRCA1 interacting helicase 1; minus strand). Cytogenetic location: 17q23.2.
Variant type: single nucleotide variant.
Coding change: c.3424A>G on transcript NM_032043.3 (MANE Select); coding-DNA position 3424, A replaced by G.
Protein change: p.Thr1142Ala; replaces threonine 1142 with alanine.
Molecular consequence: missense variant.
Genome position (GRCh38, 1-based): chr17:61,683,622, T>C on the plus strand (A>G on the coding strand, the complement: BRIP1 is on the minus strand). VCF-style: chr17-61683622-T-C. GRCh37 (hg19) VCF-style: chr17-59760983-T-C.
Other names: short protein forms T1142A.
Identifiers: ClinVar variation 929141 (VCV000929141.1), dbSNP rs2061307605, ClinGen allele CA400478758.
Genomic context (GRCh38, chr17:61,683,622, plus strand): 5'-AATTGTTAGCCAATCTATTTCCTCTATCAGTTTCAGCTAGGTCATTTTTTTCTTCATCTG[T>C]ATCTTCAGGATCATAAAGTTCAGGTGTAAAATAGATAGATTCATCTTCTGCTTCTGTTTC-3'
Protein context (NP_114432.2, residues 1132-1152): FTPELYDPED[Thr1142Ala]DEEKNDLAET

ClinVar aggregate classification (germline): Uncertain significance (1 of 4 stars; one submission).

Submission:

Women's Health and Genetics/Laboratory Corporation of America, LabCorp
Classification: Uncertain significance. Last evaluated: 2019-08-05. Review status: criteria provided, single submitter. Criteria: LabCorp Variant Classification Summary - May 2015. Collection method: clinical testing. Allele origin: germline.
Comment: Variant summary: BRIP1 c.3424A>G (p.Thr1142Ala) results in a non-conservative amino acid change in the encoded protein sequence. Four of five in-silico tools predict a benign effect of the variant on protein function. The variant was absent in 249576 control chromosomes (gnomAD). The available data on variant occurrences in the general population are insufficient to allow any conclusion about variant significance. To our knowledge, no occurrence of c.3424A>G in individuals affected with Breast Cancer and no experimental evidence demonstrating its impact on protein function have been reported. No clinical diagnostic laboratories have submitted clinical-significance assessments for this variant to ClinVar after 2014. Based on the evidence outlined above, the variant was classified as uncertain significance.